The following is an entry in ClinVar:

ClinVar aggregate classification (germline): Conflicting classifications of pathogenicity. Review status: criteria provided, conflicting classifications (1 of 4 stars). 2 submissions from 2 submitters: Pathogenic (1); Uncertain significance (1). Last evaluated 2024-03-18.

Conditions:
Cardiomyopathy (CMYO). Also called: Cardiomyopathies. Identifiers: Orphanet 167848, MedGen C0878544, MONDO:0004994, HP:0001638. Inheritance: Various modes of inheritance.
Arrhythmogenic right ventricular dysplasia 10. Also called: Arrhythmogenic Right Ventricular Dysplasia/Cardiomyopathy10; ARRHYTHMOGENIC RIGHT VENTRICULAR DYSPLASIA, FAMILIAL, 10; Arrhythmogenic right ventricular dysplasia/cardiomyopathy, type 10. Identifiers: MedGen C1857777, MONDO:0012434, OMIM 610193.

Allele frequency attached by ClinVar (database versions not stated): gnomAD exomes below 0.00001.
gnomAD v4.1: 2 of 1,613,746 alleles (0.00012%); highest among the groups gnomAD compares: South Asian, 0.0011%; no homozygotes.

Submissions (2):

Labcorp Genetics (formerly Invitae), Labcorp
Classification: Pathogenic for Arrhythmogenic right ventricular dysplasia 10. Last evaluated: 2024-03-18. Review status: criteria provided, single submitter. Criteria: Invitae Variant Classification Sherloc (09022015). Collection method: clinical testing. Allele origin: germline.
Comment: This sequence change creates a premature translational stop signal (p.Tyr87*) in the DSG2 gene. It is expected to result in an absent or disrupted protein product. Loss-of-function variants in DSG2 are known to be pathogenic (PMID: 17105751, 31386562). This variant is present in population databases (no rsID available, gnomAD 0.003%). This variant has not been reported in the literature in individuals affected with DSG2-related conditions. ClinVar contains an entry for this variant (Variation ID: 922854). For these reasons, this variant has been classified as Pathogenic.

Color Diagnostics, LLC DBA Color Health
Classification: Uncertain significance for Cardiomyopathy. Last evaluated: 2019-09-10. Review status: criteria provided, single submitter. Criteria: ACMG Guidelines, 2015. Collection method: clinical testing. Allele origin: germline.
Comment: This variant changes 1 nucleotide in exon 4 of the DSG2 gene, creating a premature translation stop signal. This variant is expected to result in an absent or non-functional protein product. To our knowledge, functional studies have not been performed for this variant. This variant has not been reported in individuals affected with cardiovascular disorders in the literature. This variant has been identified in 1/249228 chromosomes in the general population by the Genome Aggregation Database (gnomAD). Although there is a suspicion that this variant may be associated with disease, additional studies are necessary to determine the role of this variant in disease conclusively. Therefore, this variant is classified as a Variant of Uncertain Significance.

Literature cited by the submitters: PubMed 17105751 (cited by Labcorp Genetics (formerly Invitae), Labcorp); PubMed 31386562 (cited by Labcorp Genetics (formerly Invitae), Labcorp).

NM_001943.5(DSG2):c.261C>A (p.Tyr87Ter)

Gene: DSG2 (desmoglein 2; plus strand). Cytogenetic location: 18q12.1.
Variant type: single nucleotide variant.
Coding change: c.261C>A on transcript NM_001943.5 (MANE Select); coding-DNA position 261, C replaced by A.
Protein change: p.Tyr87Ter; replaces tyrosine 87 with a stop codon.
Molecular consequence: nonsense.
Genome position (GRCh38, 1-based): chr18:31,520,847, C>A. VCF-style: chr18-31520847-C-A. GRCh37 (hg19) VCF-style: chr18-29100810-C-A.
Other names: short protein forms Y87*.
Identifiers: ClinVar variation 922854 (VCV000922854.5), dbSNP rs1175183896, ClinGen allele CA402131345.